The following is an entry in ClinVar:

ClinVar aggregate classification (germline): Uncertain significance (1 of 4 stars; one submission).

Conditions:
Cardiovascular phenotype. Identifiers: MedGen CN230736.

gnomAD v4.1: 1 of 1,551,292 alleles (0.000064%); no homozygotes.

Submission:

Ambry Genetics
Classification: Uncertain significance for Cardiovascular phenotype. Last evaluated: 2025-08-03. Review status: criteria provided, single submitter. Criteria: Ambry Variant Classification Scheme 2023. Collection method: clinical testing. Allele origin: germline.
Comment: The p.C826G variant (also known as c.2476T>G), located in coding exon 17 of the TRPM4 gene, results from a T to G substitution at nucleotide position 2476. The cysteine at codon 826 is replaced by glycine, an amino acid with highly dissimilar properties. This amino acid position is conserved. In addition, the in silico prediction for this alteration is inconclusive. Based on the available evidence, the clinical significance of this variant remains unclear.

NM_017636.4(TRPM4):c.2476T>G (p.Cys826Gly)

Gene: TRPM4 (transient receptor potential cation channel subfamily M member 4; plus strand). Cytogenetic location: 19q13.33.
Variant type: single nucleotide variant.
Coding change: c.2476T>G on transcript NM_017636.4 (MANE Select); coding-DNA position 2476, T replaced by G.
Protein change: p.Cys826Gly; replaces cysteine 826 with glycine.
Molecular consequence: missense variant. On other transcripts: intron variant (1).
Genome position (GRCh38, 1-based): chr19:49,196,705, T>G. VCF-style: chr19-49196705-T-G. GRCh37 (hg19) VCF-style: chr19-49699962-T-G.
Other names: c.2131T>G, p.Cys711Gly (NM_001321281.2); c.868T>G, p.Cys290Gly (NM_001321282.2); c.1954T>G, p.Cys652Gly (NM_001321283.2); c.1414T>G, p.Cys472Gly (NM_001321285.2); c.2211-3595T>G (NM_001195227.2); short protein forms C472G, C711G, C826G, C290G, C652G.
Identifiers: ClinVar variation 4191756 (VCV004191756.1).
Genomic context (GRCh38, chr19:49,196,705, plus strand): 5'-CAGCCGGCGCCGCCCGGCTCCCTGGAGCTGCTGCTCTATTTCTGGGCTTTCACGCTGCTG[T>G]GCGAGGAACTGCGCCAGGGCCTGAGCGGAGGCGGGGGCAGCCTCGCCAGCGGGGGCCCCG-3'
Protein context (NP_060106.2, residues 816-836): LLYFWAFTLL[Cys826Gly]EELRQGLSGG